The following is an entry in ClinVar:

NM_004523.4(KIF11):c.274G>T (p.Glu92Ter)

Gene: KIF11 (kinesin family member 11; plus strand). Cytogenetic location: 10q23.33.
Variant type: single nucleotide variant.
Coding change: c.274G>T on transcript NM_004523.4 (MANE Select); coding-DNA position 274, G replaced by T.
Protein change: p.Glu92Ter; replaces glutamic acid 92 with a stop codon.
Molecular consequence: nonsense.
Genome position (GRCh38, 1-based): chr10:92,606,682, G>T. VCF-style: chr10-92606682-G-T. GRCh37 (hg19) VCF-style: chr10-94366439-G-T.
Other names: short protein forms E92*.
Identifiers: ClinVar variation 489054 (VCV000489054.2), dbSNP rs1554859344, ClinGen allele CA377588577.

ClinVar aggregate classification (germline): Pathogenic (1 of 4 stars; one submission).

Submission:

GeneDx
Classification: Pathogenic. Last evaluated: 2017-08-29. Review status: criteria provided, single submitter. Criteria: GeneDx Variant Classification (06012015). Collection method: clinical testing. Allele origin: germline. Affected: yes.
Comment: The E92X variant in the KIF11gene has not been reported previously as a pathogenic variant nor as a benign variant, to our knowledge. This variant is predicted to cause loss of normal protein function either through protein truncation or nonsense-mediated mRNA decay. The E92X variant is not observed in large population cohorts (Lek et al., 2016; 1000 Genomes Consortium et al., 2015; Exome Variant Server). We interpret E92X as a pathogenic variant.